The following is an entry in ClinVar:

ClinVar aggregate classification (germline): Pathogenic. Review status: criteria provided, multiple submitters, no conflicts (2 of 4 stars). 3 submissions from 3 submitters: Pathogenic (3). Last evaluated 2024-10-08.

Conditions:
Senior-Loken syndrome 4 (SLSN4). Identifiers: Orphanet 3156, MedGen C1846979, MONDO:0011756, OMIM 606996.
Nephronophthisis. Also called: Juvenile Nephronophthisis. Identifiers: Orphanet 655, MedGen C0687120, MONDO:0019005, HP:0000090.

Submissions (3):

Victorian Clinical Genetics Services, Murdoch Childrens Research Institute
Classification: Pathogenic for Senior-Loken syndrome 4. Last evaluated: 2024-10-08. Review status: criteria provided, single submitter. Criteria: ACMG Guidelines, 2015. Collection method: clinical testing. Allele origin: germline. Inheritance: Autosomal recessive inheritance. Affected: yes.
Comment: Based on the classification scheme VCGS_Germline_v1.3.4, this variant is classified as Pathogenic. Following criteria are met: 0102 - Loss of function is a known mechanism of disease in this gene and is associated with nephronophthisis 4, and Senior-Loken syndrome 4 (MIM#606996). (I) 0106 - This gene is associated with autosomal recessive disease. (I) 0201 - Variant is predicted to cause nonsense-mediated decay (NMD) and loss of protein (premature termination codon is located at least 54 nucleotides upstream of the final exon-exon junction). (SP) 0251 - This variant is heterozygous. (I) 0304 - Variant is present in gnomAD <0.01 for a recessive condition (v2: 1 heterozygote, 0 homozygotes). (SP) 0701 - Other NMD-predicted variants comparable to the one identified in this case have very strong previous evidence for pathogenicity. Many NMD-predicted variants have previously been reported as pathogenic (DECIPHER). (SP) 0802 - This variant has moderate previous evidence of pathogenicity in unrelated individuals. This variant has been identified along with another NPHP4 variant in two unrelated individuals with retinitis pigmentosa; clinical reassessment was conducted for one of these individuals and did not identify any clinical signs of nephrolithiasis (PMIDs: 24154662, 25472526). This variant has also been classified as pathogenic by clinical laboratories in ClinVar. (SP) 0905 - No published segregation evidence has been identified for this variant. (I) 1007 - No published functional evidence has been identified for this variant. (I) 1208 - Inheritance information for this variant is not currently available in this individual. (I) Legend: (SP) - Supporting pathogenic, (I) - Information, (SB) - Supporting benign

Labcorp Genetics (formerly Invitae), Labcorp
Classification: Pathogenic for Nephronophthisis. Last evaluated: 2023-08-14. Review status: criteria provided, single submitter. Criteria: Invitae Variant Classification Sherloc (09022015). Collection method: clinical testing. Allele origin: germline.
Comment: This sequence change creates a premature translational stop signal (p.Pro1169Glnfs*28) in the NPHP4 gene. It is expected to result in an absent or disrupted protein product. Loss-of-function variants in NPHP4 are known to be pathogenic (PMID: 12205563, 23559409). The frequency data for this variant in the population databases is considered unreliable, as metrics indicate poor data quality at this position in the gnomAD database. This premature translational stop signal has been observed in individual(s) with retinitis pigmentosa (PMID: 24154662). ClinVar contains an entry for this variant (Variation ID: 1694483). For these reasons, this variant has been classified as Pathogenic.

CeGaT Center for Human Genetics Tuebingen
Classification: Pathogenic. Last evaluated: 2022-06-01. Review status: criteria provided, single submitter. Criteria: CeGaT Center For Human Genetics Tuebingen Variant Classification Criteria Version 2. Collection method: clinical testing. Allele origin: germline. Affected: yes. Observed: 1 variant allele.
Comment: NPHP4: PVS1, PM2, PM3:Supporting

Literature cited by the submitters: PubMed 24154662 (cited by Victorian Clinical Genetics Services, Murdoch Childrens Research Institute and Labcorp Genetics (formerly Invitae), Labcorp); PubMed 25472526 (cited by Victorian Clinical Genetics Services, Murdoch Childrens Research Institute); PubMed 12205563 (cited by Labcorp Genetics (formerly Invitae), Labcorp); PubMed 23559409 (cited by Labcorp Genetics (formerly Invitae), Labcorp).

NM_015102.5(NPHP4):c.3506del (p.Pro1169fs)

Gene: NPHP4 (nephrocystin 4; minus strand). Cytogenetic location: 1p36.31.
Variant type: Deletion.
Coding change: c.3506del on transcript NM_015102.5 (MANE Select); coding-DNA position 3506, one base deleted (C; older notation c.3506delC).
Protein change: p.Pro1169fs; shifts the reading frame from proline 1169.
Molecular consequence: frameshift variant. On other transcripts: non-coding transcript variant (1).
Genome position (GRCh38, 1-based): chr1:5,867,082, G deleted on the plus strand (C on the coding strand, the reverse complement: NPHP4 is on the minus strand); the first of 6 consecutive G bases (chr1:5,867,082-5,867,087); deleting any one gives the same sequence. VCF-style (leftmost placement, unchanged base first): chr1-5867081-TG-T. GRCh37 (hg19) VCF-style: chr1-5927141-TG-T.
Other names: c.1967del, p.Pro656fs (NM_001291593.2); c.1970del, p.Pro657fs (NM_001291594.2); c.3506delC (NM_015102.4); short protein forms P1169fs, P656fs, P657fs.
Identifiers: ClinVar variation 1694483 (VCV001694483.35), dbSNP rs775221217, ClinGen allele CA553579.